The following is an entry in ClinVar:

ClinVar aggregate classification (germline): Benign/Likely benign. Review status: criteria provided, multiple submitters, no conflicts (2 of 4 stars). 2 submissions from 2 submitters: Benign (1); Likely benign (1). Last evaluated 2025-01-03.

Conditions:
Hereditary nonpolyposis colorectal neoplasms. Identifiers: MedGen C0009405, MeSH D003123.
Lynch syndrome 5 (LYNCH5). Also called: Hereditary non-polyposis colorectal cancer, type 5; Colorectal cancer, hereditary nonpolyposis, type 5. Identifiers: Orphanet 144, MedGen C1833477, MONDO:0013710, OMIM 614350. Disease mechanism: loss of function.

Submissions (2):

Myriad Genetics, Inc.
Classification: Benign for Lynch syndrome 5. Last evaluated: 2025-01-03. Review status: criteria provided, single submitter. Criteria: Myriad Autosomal Dominant, Autosomal Recessive and X-Linked Classification Criteria (2023). Collection method: clinical testing. Allele origin: unknown.
Comment: This variant is considered benign. This variant is a silent/synonymous amino acid change and it is not expected to impact splicing.

Labcorp Genetics (formerly Invitae), Labcorp
Classification: Likely benign for Hereditary nonpolyposis colorectal neoplasms. Last evaluated: 2022-09-06. Review status: criteria provided, single submitter. Criteria: Invitae Variant Classification Sherloc (09022015). Collection method: clinical testing. Allele origin: germline.

NM_000179.3(MSH6):c.3181C>T (p.Leu1061=)

Gene: MSH6 (mutS homolog 6; plus strand). Cytogenetic location: 2p16.3.
Variant type: single nucleotide variant.
Coding change: c.3181C>T on transcript NM_000179.3 (MANE Select); coding-DNA position 3181, C replaced by T.
Protein change: p.Leu1061=; no amino-acid change (leucine 1061 retained).
Molecular consequence: synonymous variant. On other transcripts: 5 prime UTR variant (1), non-coding transcript variant (5), intron variant (1).
Genome position (GRCh38, 1-based): chr2:47,803,428, C>T. VCF-style: chr2-47803428-C-T. GRCh37 (hg19) VCF-style: chr2-48030567-C-T.
Other names: c.2791C>T, p.Leu931= (NM_001281492.2); c.2275C>T, p.Leu759= (NM_001281493.2, NM_001281494.2, NM_001406811.1 and 6 more transcripts); c.3277C>T, p.Leu1093= (NM_001406795.1, NM_001406802.1); c.3181C>T, p.Leu1061= (NM_001406796.1, NM_001406800.1, NM_001406808.1 and 1 more transcripts); c.2884C>T, p.Leu962= (NM_001406797.1, NM_001406801.1, NM_001406805.1 and 10 more transcripts); c.2656C>T, p.Leu886= (NM_001406799.1, NM_001406806.1, NM_001406807.1); c.2317C>T, p.Leu773= (NM_001406803.1); c.3103C>T, p.Leu1035= (NM_001406804.1); and 7 more.
Identifiers: ClinVar variation 2022760 (VCV002022760.5), dbSNP rs1553331250, ClinGen allele CA426121691.